The following is an entry in ClinVar:

ClinVar aggregate classification (germline): Uncertain significance. Review status: criteria provided, multiple submitters, no conflicts (2 of 4 stars). 2 submissions from 2 submitters: Uncertain significance (2). Last evaluated 2025-07-31.

Conditions:
Pyogenic arthritis-pyoderma gangrenosum-acne syndrome (PAPA). Also called: FAMILIAL RECURRENT ARTHRITIS; PAPA SYNDROME. Identifiers: Orphanet 69126, MedGen C1858361, MONDO:0011462, OMIM 604416.
Inborn genetic diseases. Identifiers: MedGen C0950123, MeSH D030342.

Allele frequency attached by ClinVar (database versions not stated): gnomAD exomes 0.00001 and 0.00002; gnomAD 0.00002; TOPMed 0.00002.
gnomAD v4.1: 12 of 1,553,184 alleles (0.00077%); highest among the groups gnomAD compares: East Asian, 0.017%; no homozygotes.

Submissions (2):

Ambry Genetics
Classification: Uncertain significance for Inborn genetic diseases. Last evaluated: 2025-07-31. Review status: criteria provided, single submitter. Criteria: Ambry Variant Classification Scheme 2023. Collection method: clinical testing. Allele origin: germline.

Labcorp Genetics (formerly Invitae), Labcorp
Classification: Uncertain significance for Pyogenic arthritis-pyoderma gangrenosum-acne syndrome. Last evaluated: 2024-08-05. Review status: criteria provided, single submitter. Criteria: Invitae Variant Classification Sherloc (09022015). Collection method: clinical testing. Allele origin: germline.
Comment: This sequence change replaces arginine, which is basic and polar, with glutamine, which is neutral and polar, at codon 103 of the PSTPIP1 protein (p.Arg103Gln). The frequency data for this variant in the population databases is considered unreliable, as metrics indicate poor data quality at this position in the gnomAD database. This variant has not been reported in the literature in individuals affected with PSTPIP1-related conditions. ClinVar contains an entry for this variant (Variation ID: 1398784). Advanced modeling of protein sequence and biophysical properties (such as structural, functional, and spatial information, amino acid conservation, physicochemical variation, residue mobility, and thermodynamic stability) performed at Invitae indicates that this missense variant is not expected to disrupt PSTPIP1 protein function with a negative predictive value of 80%. In summary, the available evidence is currently insufficient to determine the role of this variant in disease. Therefore, it has been classified as a Variant of Uncertain Significance.

NM_003978.5(PSTPIP1):c.308G>A (p.Arg103Gln)

Gene: PSTPIP1 (proline-serine-threonine phosphatase interacting protein 1; plus strand). Cytogenetic location: 15q24.3.
Variant type: single nucleotide variant.
Coding change: c.308G>A on transcript NM_003978.5 (MANE Select); coding-DNA position 308, G replaced by A.
Protein change: p.Arg103Gln; replaces arginine 103 with glutamine.
Molecular consequence: missense variant. On other transcripts: non-coding transcript variant (1).
Genome position (GRCh38, 1-based): chr15:77,025,558, G>A. VCF-style: chr15-77025558-G-A. GRCh37 (hg19) VCF-style: chr15-77317899-G-A.
Other names: c.308G>A (NM_003978.3); c.308G>A, p.Arg103Gln (NM_001321135.2); c.281G>A, p.Arg94Gln (NM_001321136.2); c.503G>A, p.Arg168Gln (NM_001321137.1); short protein forms R103Q, R168Q, R94Q.
Identifiers: ClinVar variation 1398784 (VCV001398784.9), dbSNP rs1250282129, ClinGen allele CA393518943.